The following is an entry in ClinVar:

NM_015072.5(TTLL5):c.1592T>C (p.Leu531Pro)

Gene: TTLL5 (tubulin tyrosine ligase like 5; plus strand). Cytogenetic location: 14q24.3.
Variant type: single nucleotide variant.
Coding change: c.1592T>C on transcript NM_015072.5 (MANE Select); coding-DNA position 1592, T replaced by C.
Protein change: p.Leu531Pro; replaces leucine 531 with proline.
Molecular consequence: missense variant.
Genome position (GRCh38, 1-based): chr14:75,764,656, T>C. VCF-style: chr14-75764656-T-C. GRCh37 (hg19) VCF-style: chr14-76230999-T-C.
Other names: short protein forms L531P.
Identifiers: ClinVar variation 1019184 (VCV001019184.8), dbSNP rs147617989, ClinGen allele CA7279469.
Genomic context (GRCh38, chr14:75,764,656, plus strand): 5'-CATGTTGCTTTTCCCCTAGAATGACTGCTGATGGAGCGCCAGAATTGAAGATAGAGAGTC[T>C]GAATTCAAAGGCCAAGCTGCATGCTGCACTTTACGAGAGGAAGCTCCTGTCTCTGGAGGT-3'
Protein context (NP_055887.3, residues 521-541): DGAPELKIES[Leu531Pro]NSKAKLHAAL

ClinVar aggregate classification (germline): Uncertain significance (1 of 4 stars; one submission).

Allele frequency attached by ClinVar (database versions not stated): gnomAD exomes below 0.00001; ExAC 0.00001; ESP Exome Variant Server 0.00008.

Submission:

Labcorp Genetics (formerly Invitae), Labcorp
Classification: Uncertain significance. Last evaluated: 2022-11-15. Review status: criteria provided, single submitter. Criteria: Invitae Variant Classification Sherloc (09022015). Collection method: clinical testing. Allele origin: germline.
Comment: This sequence change replaces leucine, which is neutral and non-polar, with proline, which is neutral and non-polar, at codon 531 of the TTLL5 protein (p.Leu531Pro). This variant is present in population databases (rs147617989, gnomAD 0.007%). This variant has not been reported in the literature in individuals affected with TTLL5-related conditions. ClinVar contains an entry for this variant (Variation ID: 1019184). Advanced modeling of protein sequence and biophysical properties (such as structural, functional, and spatial information, amino acid conservation, physicochemical variation, residue mobility, and thermodynamic stability) performed at Invitae indicates that this missense variant is not expected to disrupt TTLL5 protein function. In summary, the available evidence is currently insufficient to determine the role of this variant in disease. Therefore, it has been classified as a Variant of Uncertain Significance.